The following is an entry in ClinVar:

NM_006514.4(SCN10A):c.2750T>A (p.Ile917Asn)

Gene: SCN10A (sodium voltage-gated channel alpha subunit 10; minus strand). Cytogenetic location: 3p22.2.
Variant type: single nucleotide variant.
Coding change: c.2750T>A on transcript NM_006514.4 (MANE Select); coding-DNA position 2750, T replaced by A.
Protein change: p.Ile917Asn; replaces isoleucine 917 with asparagine.
Molecular consequence: missense variant.
Genome position (GRCh38, 1-based): chr3:38,726,943, A>T on the plus strand (T>A on the coding strand, the complement: SCN10A is on the minus strand). VCF-style: chr3-38726943-A-T. GRCh37 (hg19) VCF-style: chr3-38768434-A-T.
Other names: c.2750T>A, p.Ile917Asn (NM_001293306.2); c.2456T>A, p.Ile819Asn (NM_001293307.2); short protein forms I917N, I819N.
Identifiers: ClinVar variation 3950850 (VCV003950850.1).

ClinVar aggregate classification (germline): Uncertain significance (1 of 4 stars; one submission).

Conditions:
Cardiovascular phenotype. Identifiers: MedGen CN230736.

gnomAD v4.1: 1 of 1,614,116 alleles (0.000062%); highest among the groups gnomAD compares: Admixed American, 0.0017%; no homozygotes.

Submission:

Ambry Genetics
Classification: Uncertain significance for Cardiovascular phenotype. Last evaluated: 2025-03-18. Review status: criteria provided, single submitter. Criteria: Ambry Variant Classification Scheme 2023. Collection method: clinical testing. Allele origin: germline.
Comment: The p.I917N variant (also known as c.2750T>A), located in coding exon 16 of the SCN10A gene, results from a T to A substitution at nucleotide position 2750. The isoleucine at codon 917 is replaced by asparagine, an amino acid with dissimilar properties. This amino acid position is conserved. In addition, the in silico prediction for this alteration is inconclusive. Based on the available evidence, the clinical significance of this variant remains unclear.